The following is an entry in ClinVar:

NM_206933.4(USH2A):c.4223A>G (p.Gln1408Arg)

Genes: USH2A (usherin; minus strand), USH2A-AS1 (USH2A antisense RNA 1; plus strand). Cytogenetic location: 1q41.
Variant type: single nucleotide variant.
Coding change: c.4223A>G on transcript NM_206933.4 (MANE Select); coding-DNA position 4223, A replaced by G.
Protein change: p.Gln1408Arg; replaces glutamine 1408 with arginine.
Molecular consequence: missense variant.
Genome position (GRCh38, 1-based): chr1:216,196,581, T>C on the plus strand (A>G on the coding strand, the complement: USH2A is on the minus strand). VCF-style: chr1-216196581-T-C. GRCh37 (hg19) VCF-style: chr1-216369923-T-C.
Other names: c.4223A>G, p.Gln1408Arg (NM_007123.6); short protein forms Q1408R.
Identifiers: ClinVar variation 1484504 (VCV001484504.5), dbSNP rs2102460311, ClinGen allele CA344866193.

ClinVar aggregate classification (germline): Uncertain significance (1 of 4 stars; one submission).

Allele frequency attached by ClinVar (database versions not stated): gnomAD exomes below 0.00001.
gnomAD v4.1: 1 of 1,613,544 alleles (0.000062%); highest among the groups gnomAD compares: African/African-American, 0.0013%; no homozygotes.

Submission:

Labcorp Genetics (formerly Invitae), Labcorp
Classification: Uncertain significance. Last evaluated: 2021-08-27. Review status: criteria provided, single submitter. Criteria: Invitae Variant Classification Sherloc (09022015). Collection method: clinical testing. Allele origin: germline.
Comment: This sequence change replaces glutamine with arginine at codon 1408 of the USH2A protein (p.Gln1408Arg). The glutamine residue is moderately conserved and there is a small physicochemical difference between glutamine and arginine. This variant is not present in population databases (ExAC no frequency). This variant has not been reported in the literature in individuals affected with USH2A-related conditions. Algorithms developed to predict the effect of missense changes on protein structure and function output the following: SIFT: "Tolerated"; PolyPhen-2: "Benign"; Align-GVGD: "Class C0". The arginine amino acid residue is found in multiple mammalian species, which suggests that this missense change does not adversely affect protein function. In summary, the available evidence is currently insufficient to determine the role of this variant in disease. Therefore, it has been classified as a Variant of Uncertain Significance.